The following is an entry in ClinVar:

ClinVar aggregate classification (germline): Uncertain significance. Review status: criteria provided, multiple submitters, no conflicts (2 of 4 stars). 2 submissions from 2 submitters: Uncertain significance (2). Last evaluated 2020-11-27.

Conditions:
Intellectual developmental disorder, X-linked 100. Also called: Intellectual disability, X-linked 100. Identifiers: MedGen C3890167, MONDO:0010488, OMIM 300923.

Allele frequency attached by ClinVar (database versions not stated): gnomAD 0.00002; TOPMed below 0.00001; gnomAD exomes 0.00001.
gnomAD v4.1: 19 of 1,169,054 alleles (0.0016%); highest among the groups gnomAD compares: Middle Eastern, 0.023%; 1 homozygote.

Submissions (2):

Blueprint Genetics
Classification: Uncertain significance. Last evaluated: 2020-11-27. Review status: criteria provided, single submitter. Criteria: ACMG Guidelines, 2015. Collection method: clinical testing. Allele origin: germline.

Baylor Genetics
Classification: Uncertain significance for Intellectual developmental disorder, X-linked 100. Last evaluated: 2019-10-08. Review status: criteria provided, single submitter. Criteria: ACMG Guidelines, 2015. Collection method: clinical testing. Allele origin: unknown. Affected: yes.
Comment: This variant was determined to be of uncertain significance according to ACMG Guidelines, 2015 [PMID:25741868].

NM_012310.5(KIF4A):c.1123G>A (p.Gly375Arg)

Gene: KIF4A (kinesin family member 4A; plus strand). Cytogenetic location: Xq13.1.
Variant type: single nucleotide variant.
Coding change: c.1123G>A on transcript NM_012310.5 (MANE Select); coding-DNA position 1123, G replaced by A.
Protein change: p.Gly375Arg; replaces glycine 375 with arginine.
Molecular consequence: missense variant.
Genome position (GRCh38, 1-based): chrX:70,333,679, G>A. VCF-style: chrX-70333679-G-A. GRCh37 (hg19) VCF-style: chrX-69553529-G-A.
Other names: short protein forms G375R.
Identifiers: ClinVar variation 1029186 (VCV001029186.2), dbSNP rs963879999, ClinGen allele CA330970521.